The following is an entry in ClinVar:

NM_138694.4(PKHD1):c.2264C>T (p.Pro755Leu)

Gene: PKHD1 (PKHD1 ciliary IPT domain containing fibrocystin/polyductin; minus strand). Cytogenetic location: 6p12.2.
Variant type: single nucleotide variant.
Coding change: c.2264C>T on transcript NM_138694.4 (MANE Select); coding-DNA position 2264, C replaced by T.
Protein change: p.Pro755Leu; replaces proline 755 with leucine.
Molecular consequence: missense variant.
Genome position (GRCh38, 1-based): chr6:52,050,172, G>A on the plus strand (C>T on the coding strand, the complement: PKHD1 is on the minus strand). VCF-style: chr6-52050172-G-A. GRCh37 (hg19) VCF-style: chr6-51914970-G-A.
Other names: c.2264C>T, p.Pro755Leu (NM_170724.3); short protein forms P755L.
Identifiers: ClinVar variation 371292 (VCV000371292.22), dbSNP rs1057517158, ClinGen allele CA16041067.

ClinVar aggregate classification (germline): Pathogenic/Likely pathogenic. Review status: criteria provided, multiple submitters, no conflicts (2 of 4 stars). 11 submissions from 10 submitters: Pathogenic (4); Likely pathogenic (6). 1 of the submissions does not count toward it. Last evaluated 2026-08-06.

Conditions:
Autosomal recessive polycystic kidney disease (ARPKD). Also called: AR polycystic kidney disease. Identifiers: Orphanet 731, Orphanet 8378, MedGen C0085548, MeSH D017044, MONDO:0009889.
Polycystic kidney disease 4 (PKD4). Also called: POLYCYSTIC KIDNEY DISEASE 4 WITH OR WITHOUT POLYCYSTIC LIVER DISEASE; PKD3; Autosomal Recessive Polycystic Kidney Disease – PKHD1; POLYCYSTIC KIDNEY AND HEPATIC DISEASE 1; POLYCYSTIC KIDNEY DISEASE, INFANTILE, TYPE I. Identifiers: MedGen C4540575, MONDO:0033004, OMIM 263200.
PKHD1-related disorder. Also called: PKHD1-related condition.

Allele frequency attached by ClinVar (database versions not stated): gnomAD exomes below 0.00001 and 0.00001; TOPMed 0.00001.
gnomAD v4.1: 18 of 1,614,118 alleles (0.0011%); highest among the groups gnomAD compares: East Asian, 0.0022%; no homozygotes.

Submissions (11):

OLLIN Analises Genomicas, OLLIN
Classification: Pathogenic for Polycystic kidney disease 4. Last evaluated: 2026-08-06. Review status: criteria provided, single submitter. Criteria: ACMG Guidelines 2015 PMID 25741868. Collection method: clinical testing. Allele origin: germline. Inheritance: Autosomal recessive inheritance.
Comment: This missense variant, located in exon 22 (of 67), has been reported in ClinVar (accession VCV000371292.18), in gnomAD with an allele frequency of 0.0011%, and in the scientific literature, in compound heterozygosity, in individuals with PKHD1 related disorders (PMID: 15698423, 31730820, 26695994). In silico analysis predicts that this variant has a deleterious effect. According to the currently available evidence, this variant has been classified as pathogenic (PM2_P, PM3_VS, PP3_M).

GeneDx
Classification: Pathogenic. Last evaluated: 2026-04-16. Review status: criteria provided, single submitter. Criteria: GeneDx Variant Classification Process June 2021. Collection method: clinical testing. Allele origin: germline.
Comment: Not observed at significant frequency in large population cohorts (gnomAD); In silico analysis supports that this missense variant has a deleterious effect on protein structure/function; This variant is associated with the following publications: (PMID: 30275481, 31730820, 15698423, 39267511, 27225849, 33940108, 26695994, 24162162, 41751613)

PreventionGenetics, part of Exact Sciences
Classification: Likely pathogenic for PKHD1-related condition. Last evaluated: 2025-10-27. Review status: criteria provided, single submitter. Criteria: ACMG Guidelines, 2015. Collection method: clinical testing. Allele origin: germline.
Comment: The PKHD1 c.2264C>T variant is predicted to result in the amino acid substitution p.Pro755Leu. This variant has been reported, in the compound heterozygous state with different pathogenic PKHD1 variants, in individuals with autosomal recessive polycystic kidney disease (ARPKD) (Bergmann et al. 2005. PubMed ID: 15698423; Liang et al. 2019. PubMed ID: 31730820; Obeidova et al. 2015. PubMed ID: 26695994). This variant is reported in 0.0033% of alleles in individuals of South Asian descent in gnomAD. This variant is interpreted as likely pathogenic.

Natera, Inc.
Classification: Likely pathogenic for Autosomal recessive polycystic kidney disease. Last evaluated: 2025-10-20. Review status: criteria provided, single submitter. Criteria: Natera Variant Classification Schema (03/2026). Collection method: clinical testing. Allele origin: germline.
Comment: The c.2264C>T variant in PKHD1 is a missense variant predicted to cause substitution of proline to leucine at amino acid 755. This variant is rare in the general population with a frequency below the threshold expected for the associated phenotype(s). This variant has been observed in one or more individuals affected with the associated recessive disease, as either homozygous or compound heterozygous with a second variant (PMID: 26695994, 24162162, 33940108, 31730820). Additionally, this variant has been observed to segregate in affected family members (PMID: 26695994). Computational prediction algorithms indicate this variant is likely to affect gene or protein function. Given the available evidence, this variant is classified as Likely Pathogenic.

First Genomix Gene Laboratory, Genetic Diagnostics Department
Classification: Likely pathogenic for Polycystic kidney disease 4. Last evaluated: 2025-07-31. Review status: criteria provided, single submitter. Criteria: ACMG Guidelines, 2015. Collection method: clinical testing. Allele origin: germline. Inheritance: Autosomal recessive inheritance. Affected: no. Observed: 1 variant allele.

Fulgent Genetics
Classification: Likely pathogenic for Polycystic kidney disease 4. Last evaluated: 2024-04-02. Review status: criteria provided, single submitter. Criteria: ACMG Guidelines, 2015. Collection method: clinical testing. Allele origin: germline.

Labcorp Genetics (formerly Invitae), Labcorp
Classification: Pathogenic for Autosomal recessive polycystic kidney disease. Last evaluated: 2024-01-31. Review status: criteria provided, single submitter. Criteria: Invitae Variant Classification Sherloc (09022015). Collection method: clinical testing. Allele origin: germline.
Comment: This sequence change replaces proline, which is neutral and non-polar, with leucine, which is neutral and non-polar, at codon 755 of the PKHD1 protein (p.Pro755Leu). The frequency data for this variant in the population databases is considered unreliable, as metrics indicate poor data quality at this position in the gnomAD database. This missense change has been observed in individual(s) with polycystic kidney disease (PMID: 15698423, 24162162, 31730820). In at least one individual the data is consistent with being in trans (on the opposite chromosome) from a pathogenic variant. ClinVar contains an entry for this variant (Variation ID: 371292). Advanced modeling of protein sequence and biophysical properties (such as structural, functional, and spatial information, amino acid conservation, physicochemical variation, residue mobility, and thermodynamic stability) performed at Invitae indicates that this missense variant is expected to disrupt PKHD1 protein function with a positive predictive value of 95%. For these reasons, this variant has been classified as Pathogenic.

Fulgent Genetics
Classification: Likely pathogenic for Polycystic kidney disease 4. Last evaluated: 2018-10-31. Review status: criteria provided, single submitter. Criteria: ACMG Guidelines, 2015. Collection method: clinical testing. Allele origin: unknown.

Eurofins Ntd Llc (ga)
Classification: Pathogenic. Last evaluated: 2018-07-05. Review status: criteria provided, single submitter. Criteria: EGL ClinVar v180209 classification definitions. Collection method: clinical testing. Allele origin: germline. Observed: 2 variant alleles, 2 heterozygotes.

Juno Genomics, Hangzhou Juno Genomics, Inc
Classification: Likely pathogenic for Polycystic kidney disease 4. Review status: criteria provided, single submitter. Criteria: ACMG Guidelines, 2015. Collection method: clinical testing. Allele origin: germline.
Comment: Absent from controls (or at extremely low frequency if recessive) in Genome Aggregation Database.;Multiple lines of computational evidence support a deleterious effect on the gene or gene product.;For recessive disorders, detected in trans with a pathogenic variant.;Patient's phenotype or family history is highly specific for a disease with a single genetic etiology.

Counsyl
Classification: Likely pathogenic for Polycystic kidney disease 4. Last evaluated: 2016-08-22. Review status: no assertion criteria provided. Collection method: clinical testing. Allele origin: unknown. Not counted in ClinVar's aggregate classification.

Literature cited by the submitters: PubMed 15698423 (cited by 3 submitters); PubMed 31730820 (cited by 3 submitters); PubMed 26695994 (cited by 3 submitters); PubMed 24162162 (cited by 3 submitters); PubMed 33940108 (cited by Natera, Inc.); PubMed 27225849 (cited by Counsyl).